The following is an entry in ClinVar:

NM_000143.4(FH):c.268-10T>G

Gene: FH (fumarate hydratase; minus strand). Cytogenetic location: 1q43.
Variant type: single nucleotide variant.
Coding change: c.268-10T>G on transcript NM_000143.4 (MANE Select); 10 bases into the intron before coding-DNA position 268, T replaced by G.
Molecular consequence: intron variant.
Genome position (GRCh38, 1-based): chr1:241,513,723, A>C on the plus strand (T>G on the coding strand, the complement: FH is on the minus strand). VCF-style: chr1-241513723-A-C. GRCh37 (hg19) VCF-style: chr1-241677023-A-C.
Identifiers: ClinVar variation 4713335 (VCV004713335.1).
Genomic context (GRCh38, chr1:241,513,723, plus strand): 5'-TACTTCAGCGGCCGCTCGCTTCAAGATGCCAAAAGCTTTAATAACTGGGGTCTAAAATTA[A>C]TCAGAAAAATATTTCAAATTTACAATTTTACTTAAGCATGGAAGTTTATTATTTTGGCAG-3'

ClinVar aggregate classification (germline): Uncertain significance (1 of 4 stars; one submission).

Submission:

Labcorp Genetics (formerly Invitae), Labcorp
Classification: Uncertain significance. Last evaluated: 2025-02-18. Review status: criteria provided, single submitter. Criteria: Invitae Variant Classification Sherloc (09022015). Collection method: clinical testing. Allele origin: germline.
Comment: This sequence change falls in intron 2 of the FH gene. It does not directly change the encoded amino acid sequence of the FH protein. This variant is not present in population databases (gnomAD no frequency). This variant has not been reported in the literature in individuals affected with FH-related conditions. Algorithms developed to predict the effect of sequence changes on RNA splicing suggest that this variant may disrupt the consensus splice site. In summary, the available evidence is currently insufficient to determine the role of this variant in disease. Therefore, it has been classified as a Variant of Uncertain Significance.